The following is an entry in ClinVar:

NM_020964.3(EPG5):c.5764C>G (p.Pro1922Ala)

Gene: EPG5 (ectopic P-granules 5 autophagy tethering factor; minus strand). Cytogenetic location: 18q12.3.
Variant type: single nucleotide variant.
Coding change: c.5764C>G on transcript NM_020964.3 (MANE Select); coding-DNA position 5764, C replaced by G.
Protein change: p.Pro1922Ala; replaces proline 1922 with alanine.
Molecular consequence: missense variant.
Genome position (GRCh38, 1-based): chr18:45,879,118, G>C on the plus strand (C>G on the coding strand, the complement: EPG5 is on the minus strand). VCF-style: chr18-45879118-G-C. GRCh37 (hg19) VCF-style: chr18-43459083-G-C.
Other names: c.5764C>G, p.Pro1922Ala (NM_001410858.1, NM_001410859.1); short protein forms P1922A.
Identifiers: ClinVar variation 2163955 (VCV002163955.2), dbSNP rs780245388, ClinGen allele CA8948485.

ClinVar aggregate classification (germline): Uncertain significance. Review status: criteria provided, multiple submitters, no conflicts (2 of 4 stars). 2 submissions from 2 submitters: Uncertain significance (2). Last evaluated 2024-10-29.

Conditions:
Vici syndrome (VICIS). Identifiers: Orphanet 1493, MedGen C1855772, MONDO:0009452, OMIM 242840.

Allele frequency attached by ClinVar (database versions not stated): gnomAD 0.00001; ExAC 0.00003.
gnomAD v4.1: 24 of 1,613,876 alleles (0.0015%); highest among the groups gnomAD compares: East Asian, 0.053%; no homozygotes.

Submissions (2):

Women's Health and Genetics/Laboratory Corporation of America, LabCorp
Classification: Uncertain significance. Last evaluated: 2024-10-29. Review status: criteria provided, single submitter. Criteria: LabCorp Variant Classification Summary - May 2015. Collection method: clinical testing. Allele origin: germline.
Comment: Variant summary: EPG5 c.5764C>G (p.Pro1922Ala) results in a non-conservative amino acid change in the encoded protein sequence. Three of five in-silico tools predict a benign effect of the variant on protein function. The variant allele was found at a frequency of 3.6e-05 in 249516 control chromosomes. The available data on variant occurrences in the general population are insufficient to allow any conclusion about variant significance. c.5764C>G has been reported in the literature in at least one individual affected with Vici Syndrome (Dong_2021). These report(s) do not provide unequivocal conclusions about association of the variant with Vici Syndrome. To our knowledge, no experimental evidence demonstrating an impact on protein function has been reported. The following publication has been ascertained in the context of this evaluation (PMID: 34405433). ClinVar contains an entry for this variant (Variation ID: 2163955). Based on the evidence outlined above, the variant was classified as uncertain significance.

Labcorp Genetics (formerly Invitae), Labcorp
Classification: Uncertain significance for Vici syndrome. Last evaluated: 2022-01-15. Review status: criteria provided, single submitter. Criteria: Invitae Variant Classification Sherloc (09022015). Collection method: clinical testing. Allele origin: germline.
Comment: This sequence change replaces proline, which is neutral and non-polar, with alanine, which is neutral and non-polar, at codon 1922 of the EPG5 protein (p.Pro1922Ala). This variant is present in population databases (rs780245388, gnomAD 0.05%). This variant has not been reported in the literature in individuals affected with EPG5-related conditions. Algorithms developed to predict the effect of missense changes on protein structure and function are either unavailable or do not agree on the potential impact of this missense change (SIFT: "Tolerated"; PolyPhen-2: "Probably Damaging"; Align-GVGD: "Class C0"). In summary, the available evidence is currently insufficient to determine the role of this variant in disease. Therefore, it has been classified as a Variant of Uncertain Significance.

Literature cited by the submitters: PubMed 34405433 (cited by Women's Health and Genetics/Laboratory Corporation of America, LabCorp).